The following is an entry in ClinVar:

ClinVar aggregate classification (germline): Uncertain significance (1 of 4 stars; one submission).

Conditions:
Inborn genetic diseases. Identifiers: MedGen C0950123, MeSH D030342.

Submission:

Ambry Genetics
Classification: Uncertain significance for Inborn genetic diseases. Last evaluated: 2025-08-19. Review status: criteria provided, single submitter. Criteria: Ambry Variant Classification Scheme 2023. Collection method: clinical testing. Allele origin: germline.
Comment: The p.S424T variant (also known as c.1271G>C), located in coding exon 12 of the ANKRD26 gene, results from a G to C substitution at nucleotide position 1271. The serine at codon 424 is replaced by threonine, an amino acid with similar properties. This amino acid position is conserved. In addition, this alteration is predicted to be tolerated by in silico analysis. Based on the available evidence, the clinical significance of this variant remains unclear.

NM_014915.3(ANKRD26):c.1271G>C (p.Ser424Thr)

Gene: ANKRD26 (ankyrin repeat domain containing 26; minus strand). Cytogenetic location: 10p12.1.
Variant type: single nucleotide variant.
Coding change: c.1271G>C on transcript NM_014915.3 (MANE Select); coding-DNA position 1271, G replaced by C.
Protein change: p.Ser424Thr; replaces serine 424 with threonine.
Molecular consequence: missense variant.
Genome position (GRCh38, 1-based): chr10:27,064,080, C>G on the plus strand (G>C on the coding strand, the complement: ANKRD26 is on the minus strand). VCF-style: chr10-27064080-C-G. GRCh37 (hg19) VCF-style: chr10-27353009-C-G.
Other names: c.1271G>C, p.Ser424Thr (NM_001256053.2); short protein forms S424T.
Identifiers: ClinVar variation 4104304 (VCV004104304.1).
Genomic context (GRCh38, chr10:27,064,080, plus strand): 5'-TTTCCGTCTGCAGCCCCAGCTAAAGGATCAACATACTTCTGTGGAAAATTCTCAGAGATA[C>G]TCTGTTAAAATTAGTATCAATAATGAGTTTCAATTTTACAAAAAGAATGAATTGCTAAAG-3'
Protein context (NP_055730.2, residues 414-434): EDIESPWDSE[Ser424Thr]ISENFPQKYV